The following is an entry in ClinVar:

ClinVar aggregate classification (germline): Uncertain significance (1 of 4 stars; one submission).

Conditions:
Catecholaminergic polymorphic ventricular tachycardia (CVPT). Also called: Catecholamine-induced polymorphic ventricular tachycardia. Identifiers: Orphanet 3286, MedGen C5574922, MONDO:0017990.

Allele frequency attached by ClinVar (database versions not stated): gnomAD exomes below 0.00001.
gnomAD v4.1: 1 of 1,613,922 alleles (0.000062%); highest among the groups gnomAD compares: Non-Finnish European, 0.000085%; no homozygotes.

Submission:

All of Us Research Program, National Institutes of Health
Classification: Uncertain significance for Catecholaminergic polymorphic ventricular tachycardia. Last evaluated: 2023-06-26. Review status: criteria provided, single submitter. Criteria: ACMG Guidelines, 2015. Collection method: clinical testing. Allele origin: germline. Inheritance: Autosomal dominant inheritance. Observed: 1 variant allele, 1 heterozygote.
Comment: This variant is located in the RYR2 protein. To our knowledge, functional studies have not been reported for this variant. This variant has not been reported in individuals affected with RYR2-related disorders in the literature. This variant has not been identified in the general population by the Genome Aggregation Database (gnomAD). The available evidence is insufficient to determine the role of this variant in disease conclusively. Therefore, this variant is classified as a Variant of Uncertain Significance.

This study involves interpretation of variants in research participants for the purpose of population health screening. Participant phenotype was not available at the time of variant classification. Additional details can be found in publication PMID: 35346344, PMCID: PMC8962531

NM_001035.3(RYR2):c.9717G>T (p.Leu3239=)

Gene: RYR2 (ryanodine receptor 2; plus strand). Cytogenetic location: 1q43.
Variant type: single nucleotide variant.
Coding change: c.9717G>T on transcript NM_001035.3 (MANE Select); coding-DNA position 9717, G replaced by T.
Protein change: p.Leu3239=; no amino-acid change (leucine 3239 retained).
Molecular consequence: synonymous variant.
Genome position (GRCh38, 1-based): chr1:237,707,085, G>T. VCF-style: chr1-237707085-G-T. GRCh37 (hg19) VCF-style: chr1-237870385-G-T.
Identifiers: ClinVar variation 3071920 (VCV003071920.1), dbSNP rs2547402223, ClinGen allele CA424031706.